The following is an entry in ClinVar:

ClinVar aggregate classification (germline): Uncertain significance (1 of 4 stars; one submission).

Submission:

Labcorp Genetics (formerly Invitae), Labcorp
Classification: Uncertain significance. Last evaluated: 2021-11-11. Review status: criteria provided, single submitter. Criteria: Invitae Variant Classification Sherloc (09022015). Collection method: clinical testing. Allele origin: germline.
Comment: This sequence change replaces asparagine, which is neutral and polar, with histidine, which is basic and polar, at codon 409 of the P3H2 protein (p.Asn409His). This variant is not present in population databases (gnomAD no frequency). This variant has not been reported in the literature in individuals affected with P3H2-related conditions. Algorithms developed to predict the effect of missense changes on protein structure and function (SIFT, PolyPhen-2, Align-GVGD) all suggest that this variant is likely to be tolerated. In summary, the available evidence is currently insufficient to determine the role of this variant in disease. Therefore, it has been classified as a Variant of Uncertain Significance.

NM_018192.4(P3H2):c.1225A>C (p.Asn409His)

Gene: P3H2 (prolyl 3-hydroxylase 2; minus strand). Cytogenetic location: 3q28.
Variant type: single nucleotide variant.
Coding change: c.1225A>C on transcript NM_018192.4 (MANE Select); coding-DNA position 1225, A replaced by C.
Protein change: p.Asn409His; replaces asparagine 409 with histidine.
Molecular consequence: missense variant.
Genome position (GRCh38, 1-based): chr3:189,984,554, T>G on the plus strand (A>C on the coding strand, the complement: P3H2 is on the minus strand). VCF-style: chr3-189984554-T-G. GRCh37 (hg19) VCF-style: chr3-189702343-T-G.
Other names: c.682A>C, p.Asn228His (NM_001134418.2); short protein forms N228H, N409H.
Identifiers: ClinVar variation 1392727 (VCV001392727.6), dbSNP rs2108916939, ClinGen allele CA355756546.
Genomic context (GRCh38, chr3:189,984,554, plus strand): 5'-ATGACACTAAGTATTTCTCCTCATAAAAAACCAGTTTGCATTCTGAATGGACTTACCGAT[T>G]CTCATCCTGTCGTCCTCCATATCTGATCCAATAATTCTGTTTTGAATCGAGTAAAAAAAA-3'
Protein context (NP_060662.2, residues 399-419): WIRYGGRQDE[Asn409His]RVPSGVNVEG